The following is an entry in ClinVar:

ClinVar aggregate classification (germline): Uncertain significance. Review status: criteria provided, multiple submitters, no conflicts (2 of 4 stars). 5 submissions from 5 submitters: Uncertain significance (4). 1 of the submissions does not count toward it. Last evaluated 2025-08-24.

Conditions:
APC-related disorder. Also called: APC-related condition.
Familial adenomatous polyposis 1 (FAP1). Also called: POLYPOSIS, ADENOMATOUS INTESTINAL; FAMILIAL ADENOMATOUS POLYPOSIS 1, ATTENUATED. Identifiers: MedGen C2713442, MONDO:0021056, OMIM 175100. Disease mechanism: loss of function.
Classic or attenuated familial adenomatous polyposis. Identifiers: MedGen CN372698, MONDO:0021057.
Hereditary cancer-predisposing syndrome. Also called: Hereditary neoplastic syndrome; Neoplastic Syndromes, Hereditary; Tumor predisposition; Hereditary Cancer Syndrome. Identifiers: Orphanet 140162, MedGen C0027672, MeSH D009386, MONDO:0015356.

Allele frequency attached by ClinVar (database versions not stated): TOPMed 0.00001.
gnomAD v4.1: 2 of 1,613,874 alleles (0.00012%); highest among the groups gnomAD compares: Non-Finnish European, 0.00017%; no homozygotes.

Submissions (5):

Labcorp Genetics (formerly Invitae), Labcorp
Classification: Uncertain significance for Familial adenomatous polyposis 1. Last evaluated: 2025-08-24. Review status: criteria provided, single submitter. Criteria: Invitae Variant Classification Sherloc (09022015). Collection method: clinical testing. Allele origin: germline.
Comment: This sequence change replaces arginine, which is basic and polar, with glutamine, which is neutral and polar, at codon 2226 of the APC protein (p.Arg2226Gln). This variant is not present in population databases (gnomAD no frequency). This variant has not been reported in the literature in individuals affected with APC-related conditions. ClinVar contains an entry for this variant (Variation ID: 470058). Invitae Evidence Modeling of protein sequence and biophysical properties (such as structural, functional, and spatial information, amino acid conservation, physicochemical variation, residue mobility, and thermodynamic stability) indicates that this missense variant is not expected to disrupt APC protein function with a negative predictive value of 95%. In summary, the available evidence is currently insufficient to determine the role of this variant in disease. Therefore, it has been classified as a Variant of Uncertain Significance.

All of Us Research Program, National Institutes of Health
Classification: Uncertain significance for Classic or attenuated familial adenomatous polyposis. Last evaluated: 2024-03-05. Review status: criteria provided, single submitter. Criteria: ACMG Guidelines, 2015. Collection method: clinical testing. Allele origin: germline. Inheritance: Autosomal dominant inheritance. Observed: 1 variant allele, 1 heterozygote.
Comment: This study involves interpretation of variants in research participants for the purpose of population health screening. Participant phenotype was not available at the time of variant classification. Additional details can be found in publication PMID: 35346344, PMCID: PMC8962531

Ambry Genetics
Classification: Uncertain significance for Hereditary cancer-predisposing syndrome. Last evaluated: 2023-11-16. Review status: criteria provided, single submitter. Criteria: Ambry Variant Classification Scheme 2023. Collection method: clinical testing. Allele origin: germline.
Comment: The p.R2226Q variant (also known as c.6677G>A), located in coding exon 15 of the APC gene, results from a G to A substitution at nucleotide position 6677. The arginine at codon 2226 is replaced by glutamine, an amino acid with highly similar properties. This amino acid position is highly conserved in available vertebrate species. In addition, in silico predictors for this gene do not accurately predict pathogenicity. Since supporting evidence is limited at this time, the clinical significance of this alteration remains unclear.

GeneDx
Classification: Uncertain significance. Last evaluated: 2023-09-01. Review status: criteria provided, single submitter. Criteria: GeneDx Variant Classification Process June 2021. Collection method: clinical testing. Allele origin: germline. Affected: yes.
Comment: Not observed at significant frequency in large population cohorts (gnomAD); In silico analysis supports that this missense variant has a deleterious effect on protein structure/function; Has not been previously published as pathogenic or benign to our knowledge; This variant is associated with the following publications: (PMID: 18199528)

PreventionGenetics, part of Exact Sciences
Classification: Uncertain significance for APC-related condition. Last evaluated: 2023-11-08. Review status: no assertion criteria provided. Collection method: clinical testing. Allele origin: germline. Not counted in ClinVar's aggregate classification.
Comment: The APC c.6677G>A variant is predicted to result in the amino acid substitution p.Arg2226Gln. To our knowledge, this variant has not been reported in the literature or in a large population database, indicating this variant is rare. It is interpreted as uncertain significance in ClinVar. At this time, the clinical significance of this variant is uncertain due to the absence of conclusive functional and genetic evidence.

NM_000038.6(APC):c.6677G>A (p.Arg2226Gln)

Gene: APC (APC regulator of Wnt signaling pathway; plus strand). Cytogenetic location: 5q22.2.
Variant type: single nucleotide variant.
Coding change: c.6677G>A on transcript NM_000038.6 (MANE Select); coding-DNA position 6677, G replaced by A.
Protein change: p.Arg2226Gln; replaces arginine 2226 with glutamine.
Molecular consequence: missense variant.
Genome position (GRCh38, 1-based): chr5:112,842,271, G>A. VCF-style: chr5-112842271-G-A. GRCh37 (hg19) VCF-style: chr5-112177968-G-A.
Other names: c.6677G>A, p.Arg2226Gln (NM_001127510.3, NM_001354895.2); c.6623G>A, p.Arg2208Gln (NM_001127511.3); c.6593G>A, p.Arg2198Gln (NM_001354899.2); c.6554G>A, p.Arg2185Gln (NM_001354900.2); c.6500G>A, p.Arg2167Gln (NM_001354901.2); c.6404G>A, p.Arg2135Gln (NM_001354902.2); c.6731G>A, p.Arg2244Gln (NM_001354896.2); c.6707G>A, p.Arg2236Gln (NM_001354897.2); and 5 more; short protein forms R2208Q, R2226Q, R1943Q, R2125Q, R2198Q, R2135Q, R2167Q, R2185Q.
Identifiers: ClinVar variation 470058 (VCV000470058.16), dbSNP rs1246580689, ClinGen allele CA16035932.